The following is an entry in ClinVar:

NM_006227.4(PLTP):c.752G>A (p.Arg251Gln)

Gene: PLTP (phospholipid transfer protein; minus strand). Cytogenetic location: 20q13.12.
Variant type: single nucleotide variant.
Coding change: c.752G>A on transcript NM_006227.4 (MANE Select); coding-DNA position 752, G replaced by A.
Protein change: p.Arg251Gln; replaces arginine 251 with glutamine.
Molecular consequence: missense variant.
Genome position (GRCh38, 1-based): chr20:45,905,072, C>T on the plus strand (G>A on the coding strand, the complement: PLTP is on the minus strand). VCF-style: chr20-45905072-C-T. GRCh37 (hg19) VCF-style: chr20-44533711-C-T.
Other names: c.467G>A, p.Arg156Gln (NM_001242920.2); c.488G>A, p.Arg163Gln (NM_001242921.1); c.596G>A, p.Arg199Gln (NM_182676.3); short protein forms R163Q, R199Q, R156Q, R251Q.
Identifiers: ClinVar variation 2277855 (VCV002277855.3), dbSNP rs367756234, ClinGen allele CA9883729.

ClinVar aggregate classification (germline): Uncertain significance. Review status: criteria provided, multiple submitters, no conflicts (2 of 4 stars). 2 submissions from 2 submitters: Uncertain significance (2). Last evaluated 2026-01-07.

Allele frequency attached by ClinVar (database versions not stated): TOPMed 0.00003; gnomAD 0.00005; ExAC 0.00008; ESP Exome Variant Server 0.00008; 1000 Genomes Project 30x 0.00016; 1000 Genomes Project 0.00020.
gnomAD v4.1: 33 of 1,614,182 alleles (0.002%); highest among the groups gnomAD compares: South Asian, 0.012%; no homozygotes.

Submissions (2):

Labcorp Genetics (formerly Invitae), Labcorp
Classification: Uncertain significance. Last evaluated: 2026-01-07. Review status: criteria provided, single submitter. Criteria: Invitae Variant Classification Sherloc (09022015). Collection method: clinical testing. Allele origin: germline.
Comment: This sequence change replaces arginine, which is basic and polar, with glutamine, which is neutral and polar, at codon 251 of the PLTP protein (p.Arg251Gln). This variant is present in population databases (rs367756234, gnomAD 0.006%). This variant has not been reported in the literature in individuals affected with PLTP-related conditions. ClinVar contains an entry for this variant (Variation ID: 2277855). An algorithm developed to predict the effect of missense changes on protein structure and function outputs the following: PolyPhen-2: "Benign". The glutamine amino acid residue is found in multiple mammalian species, which suggests that this missense change does not adversely affect protein function. In summary, the available evidence is currently insufficient to determine the role of this variant in disease. Therefore, it has been classified as a Variant of Uncertain Significance.

Ambry Genetics
Classification: Uncertain significance. Last evaluated: 2021-08-16. Review status: criteria provided, single submitter. Criteria: Ambry Variant Classification Scheme 2023. Collection method: clinical testing. Allele origin: germline.